The following is an entry in ClinVar:

ClinVar aggregate classification (germline): Uncertain significance (1 of 4 stars; one submission).

Allele frequency attached by ClinVar (database versions not stated): gnomAD exomes below 0.00001.
gnomAD v4.1: 3 of 1,612,122 alleles (0.00019%); highest among the groups gnomAD compares: Non-Finnish European, 0.00025%; no homozygotes.

Submission:

Labcorp Genetics (formerly Invitae), Labcorp
Classification: Uncertain significance. Last evaluated: 2024-10-23. Review status: criteria provided, single submitter. Criteria: Invitae Variant Classification Sherloc (09022015). Collection method: clinical testing. Allele origin: germline.
Comment: This sequence change replaces alanine, which is neutral and non-polar, with serine, which is neutral and polar, at codon 714 of the GRM6 protein (p.Ala714Ser). The frequency data for this variant in the population databases is considered unreliable, as metrics indicate poor data quality at this position in the gnomAD database. This variant has not been reported in the literature in individuals affected with GRM6-related conditions. ClinVar contains an entry for this variant (Variation ID: 2126341). Invitae Evidence Modeling of protein sequence and biophysical properties (such as structural, functional, and spatial information, amino acid conservation, physicochemical variation, residue mobility, and thermodynamic stability) indicates that this missense variant is not expected to disrupt GRM6 protein function with a negative predictive value of 95%. In summary, the available evidence is currently insufficient to determine the role of this variant in disease. Therefore, it has been classified as a Variant of Uncertain Significance.

NM_000843.4(GRM6):c.2140G>T (p.Ala714Ser)

Genes: GRM6 (glutamate metabotropic receptor 6; minus strand), ZNF454 (zinc finger protein 454; plus strand). Cytogenetic location: 5q35.3.
Variant type: single nucleotide variant.
Coding change: c.2140G>T on transcript NM_000843.4 (MANE Select); coding-DNA position 2140, G replaced by T.
Protein change: p.Ala714Ser; replaces alanine 714 with serine.
Molecular consequence: missense variant.
Genome position (GRCh38, 1-based): chr5:178,983,206, C>A on the plus strand (G>T on the coding strand, the complement: GRM6 is on the minus strand). VCF-style: chr5-178983206-C-A. GRCh37 (hg19) VCF-style: chr5-178410207-C-A.
Other names: short protein forms A714S.
Identifiers: ClinVar variation 2126341 (VCV002126341.4), dbSNP rs776465813, ClinGen allele CA133017655.